The following is an entry in ClinVar:

ClinVar aggregate classification (germline): Uncertain significance (1 of 4 stars; one submission).

Conditions:
Arrhythmogenic right ventricular dysplasia 9 (ARVD9). Also called: Arrhythmogenic Right Ventricular Dysplasia/Cardiomyopathy 9; ARRHYTHMOGENIC RIGHT VENTRICULAR DYSPLASIA, FAMILIAL, 9. Identifiers: MedGen C1836906, MONDO:0012180, OMIM 609040.

gnomAD v4.1: 1 of 1,613,830 alleles (0.000062%); highest among the groups gnomAD compares: African/African-American, 0.0013%; no homozygotes.

Submission:

Labcorp Genetics (formerly Invitae), Labcorp
Classification: Uncertain significance for Arrhythmogenic right ventricular dysplasia 9. Last evaluated: 2024-09-27. Review status: criteria provided, single submitter. Criteria: Invitae Variant Classification Sherloc (09022015). Collection method: clinical testing. Allele origin: germline.
Comment: This sequence change replaces asparagine, which is neutral and polar, with lysine, which is basic and polar, at codon 834 of the PKP2 protein (p.Asn834Lys). This variant is present in population databases (no rsID available, gnomAD 0.007%). This variant has not been reported in the literature in individuals affected with PKP2-related conditions. An algorithm developed to predict the effect of missense changes on protein structure and function (PolyPhen-2) suggests that this variant is likely to be tolerated. In summary, the available evidence is currently insufficient to determine the role of this variant in disease. Therefore, it has been classified as a Variant of Uncertain Significance.

NM_001005242.3(PKP2):c.2370C>A (p.Asn790Lys)

Gene: PKP2 (plakophilin 2; minus strand). Cytogenetic location: 12p11.21.
Variant type: single nucleotide variant.
Coding change: c.2370C>A on transcript NM_001005242.3 (MANE Select); coding-DNA position 2370, C replaced by A.
Protein change: p.Asn790Lys; replaces asparagine 790 with lysine.
Molecular consequence: missense variant.
Genome position (GRCh38, 1-based): chr12:32,792,719, G>T on the plus strand (C>A on the coding strand, the complement: PKP2 is on the minus strand). VCF-style: chr12-32792719-G-T. GRCh37 (hg19) VCF-style: chr12-32945653-G-T.
Other names: c.2180C>A, p.Thr727Lys (NM_001407155.1); c.2205C>A, p.Asn735Lys (NM_001407156.1); c.2043C>A, p.Asn681Lys (NM_001407158.1, NM_001407159.1); c.1853C>A, p.Thr618Lys (NM_001407160.1); c.2502C>A, p.Asn834Lys (NM_004572.4); short protein forms N834K, N681K, N735K, T727K, N790K, T618K.
Identifiers: ClinVar variation 3668002 (VCV003668002.2).